The following is an entry in ClinVar:

NM_000448.3(RAG1):c.1286A>T (p.Asp429Val)

Gene: RAG1 (recombination activating 1; plus strand). Cytogenetic location: 11p12.
Variant type: single nucleotide variant.
Coding change: c.1286A>T on transcript NM_000448.3 (MANE Select); coding-DNA position 1286, A replaced by T.
Protein change: p.Asp429Val; replaces aspartic acid 429 with valine.
Molecular consequence: missense variant.
Genome position (GRCh38, 1-based): chr11:36,574,590, A>T. VCF-style: chr11-36574590-A-T. GRCh37 (hg19) VCF-style: chr11-36596140-A-T.
Other names: c.1286A>T, p.Asp429Val (NM_001377277.1, NM_001377278.1, NM_001377279.1 and 1 more transcripts); short protein forms D429V.
Identifiers: ClinVar variation 3233811 (VCV003233811.2), dbSNP rs104894292, ClinGen allele CA220600919.
Genomic context (GRCh38, chr11:36,574,590, plus strand): 5'-ACCGGCTGAGGGAGCTCAAGCTGCAAGTCAAAGCCTTTGCTGACAAAGAAGAAGGTGGAG[A>T]TGTGAAGTCCGTGTGCATGACCTTGTTCCTGCTGGCTCTGAGGGCGAGGAATGAGCACAG-3'
Protein context (NP_000439.2, residues 419-439): KAFADKEEGG[Asp429Val]VKSVCMTLFL

ClinVar aggregate classification (germline): Uncertain significance (1 of 4 stars; one submission).

Allele frequency attached by ClinVar (database versions not stated): gnomAD exomes below 0.00001.
gnomAD v4.1: 1 of 1,614,208 alleles (0.000062%); highest among the groups gnomAD compares: Non-Finnish European, 0.000085%; no homozygotes.

Submission:

Women's Health and Genetics/Laboratory Corporation of America, LabCorp
Classification: Uncertain significance. Last evaluated: 2024-03-22. Review status: criteria provided, single submitter. Criteria: LabCorp Variant Classification Summary - May 2015. Collection method: clinical testing. Allele origin: germline.
Comment: Variant summary: RAG1 c.1286A>T (p.Asp429Val) results in a non-conservative amino acid change located in the RAG nonamer-binding domain (IPR023336) of the encoded protein sequence. Five of five in-silico tools predict a damaging effect of the variant on protein function. The variant was absent in 250756 control chromosomes (gnomAD). The available data on variant occurrences in the general population are insufficient to allow any conclusion about variant significance. To our knowledge, no occurrence of c.1286A>T in individuals affected with Severe Combined Immunodeficiency and no experimental evidence demonstrating its impact on protein function have been reported. No submitters have cited clinical-significance assessments for this variant to ClinVar. Based on the evidence outlined above, the variant was classified as uncertain significance.